The following is an entry in ClinVar:

ClinVar aggregate classification (germline): Conflicting classifications of pathogenicity. Review status: criteria provided, conflicting classifications (1 of 4 stars). 3 submissions from 3 submitters: Uncertain significance (1); Likely benign (2). Last evaluated 2026-02-05.

Conditions:
Familial cancer of breast. Also called: BREAST CANCER, FAMILIAL; hereditary breast carcinoma; Hereditary breast cancer. Identifiers: Orphanet 227535, MedGen C0346153, MONDO:0016419, OMIM 114480. Disease mechanism: loss of function.
Fanconi anemia complementation group J. Also called: BRIP1-Related Fanconi Anemia. Identifiers: Orphanet 84, MedGen C1836860, MONDO:0012187, OMIM 609054.
Hereditary cancer-predisposing syndrome. Also called: Neoplastic Syndromes, Hereditary; Tumor predisposition; Hereditary neoplastic syndrome; Hereditary Cancer Syndrome. Identifiers: Orphanet 140162, MedGen C0027672, MeSH D009386, MONDO:0015356.

Allele frequency attached by ClinVar (database versions not stated): gnomAD exomes below 0.00001.
gnomAD v4.1: 1 of 1,603,780 alleles (0.000062%); highest among the groups gnomAD compares: Non-Finnish European, 0.000085%; no homozygotes.

Submissions (3):

Ambry Genetics
Classification: Uncertain significance for Hereditary cancer-predisposing syndrome. Last evaluated: 2026-02-05. Review status: criteria provided, single submitter. Criteria: Ambry Variant Classification Scheme 2023. Collection method: clinical testing. Allele origin: germline.
Comment: The c.2493-4C>G intronic variant results from a C to G substitution 4 nucleotides upstream from coding exon 17 in the BRIP1 gene. This nucleotide position is poorly conserved in available vertebrate species. In silico splice site analysis for this alteration is inconclusive. Based on the available evidence, the clinical significance of this variant remains unclear.

Labcorp Genetics (formerly Invitae), Labcorp
Classification: Likely benign for Familial cancer of breast; Fanconi anemia complementation group J. Last evaluated: 2021-03-19. Review status: criteria provided, single submitter. Criteria: Invitae Variant Classification Sherloc (09022015). Collection method: clinical testing. Allele origin: germline.

GeneDx
Classification: Likely benign. Last evaluated: 2016-10-18. Review status: criteria provided, single submitter. Criteria: GeneDx Variant Classification (06012015). Collection method: clinical testing. Allele origin: germline. Affected: yes.
Comment: This variant is considered likely benign or benign based on one or more of the following criteria: it is a conservative change, it occurs at a poorly conserved position in the protein, it is predicted to be benign by multiple in silico algorithms, and/or has population frequency not consistent with disease.

NM_032043.3(BRIP1):c.2493-4C>G

Gene: BRIP1 (BRCA1 interacting DNA helicase 1; minus strand). Cytogenetic location: 17q23.2.
Variant type: single nucleotide variant.
Coding change: c.2493-4C>G on transcript NM_032043.3 (MANE Select); 4 bases into the intron before coding-DNA position 2493, C replaced by G.
Molecular consequence: intron variant.
Genome position (GRCh38, 1-based): chr17:61,693,516, G>C on the plus strand (C>G on the coding strand, the complement: BRIP1 is on the minus strand). VCF-style: chr17-61693516-G-C. GRCh37 (hg19) VCF-style: chr17-59770877-G-C.
Identifiers: ClinVar variation 383565 (VCV000383565.15), dbSNP rs1057521675, ClinGen allele CA16608567.